The following is an entry in ClinVar:

ClinVar aggregate classification (germline): Benign. Review status: criteria provided, multiple submitters, no conflicts (2 of 4 stars). 2 submissions from 2 submitters: Benign (2). Last evaluated 2018-01-12.

Conditions:
Retinitis pigmentosa (RP). Identifiers: Orphanet 791, MedGen C0035334, MeSH D012174, MONDO:0019200, OMIM 268000. Inheritance: Autosomal dominant, autosomal recessive and X linked inheritance.

Allele frequency attached by ClinVar (database versions not stated): 1000 Genomes Project 0.97843; 1000 Genomes Project 30x 0.98001; TOPMed 0.98279; gnomAD 0.98340 and 0.98463; gnomAD exomes 1.00000.

Submissions (2):

Illumina Laboratory Services, Illumina
Classification: Benign for Retinitis pigmentosa. Last evaluated: 2018-01-12. Review status: criteria provided, single submitter. Criteria: ICSL Variant Classification Criteria 13 December 2019. Collection method: clinical testing. Allele origin: germline.
Comment: This variant was observed in the ICSL laboratory as part of a predisposition screen in an ostensibly healthy population. It had not been previously curated by ICSL or reported in the Human Gene Mutation Database (HGMD: prior to June 1st, 2018), and was therefore a candidate for classification through an automated scoring system. Utilizing variant allele frequency, disease prevalence and penetrance estimates, and inheritance mode, an automated score was calculated to assess if this variant is too frequent to cause the disease. Based on the score and internal cut-off values, a variant classified as benign is not then subjected to further curation. The score for this variant resulted in a classification of benign for this disease.

Breakthrough Genomics
Classification: Benign. Review status: criteria provided, single submitter. Criteria: ACMG Guidelines, 2015. Collection method: not provided. Allele origin: germline. Inheritance: Unknown mechanism. Affected: yes.

NM_001029883.3(PCARE):c.*2585A>G

Gene: PCARE (photoreceptor cilium actin regulator; minus strand). Cytogenetic location: 2p23.2.
Variant type: single nucleotide variant.
Coding change: c.*2585A>G on transcript NM_001029883.3 (MANE Select); 2585 bases downstream of the stop codon, A replaced by G.
Molecular consequence: 3 prime UTR variant.
Genome position (GRCh38, 1-based): chr2:29,062,284, T>C on the plus strand (A>G on the coding strand, the complement: PCARE is on the minus strand). VCF-style: chr2-29062284-T-C. GRCh37 (hg19) VCF-style: chr2-29285150-T-C.
Identifiers: ClinVar variation 335578 (VCV000335578.6), dbSNP rs7570356, ClinGen allele CA10615160.